The following is an entry in ClinVar:

NM_000540.3(RYR1):c.12544_12554del (p.Ile4182fs)

Gene: RYR1 (ryanodine receptor 1; plus strand). Cytogenetic location: 19q13.2.
Variant type: Deletion.
Coding change: c.12544_12554del on transcript NM_000540.3 (MANE Select); coding-DNA positions 12544 to 12554, 11 bases deleted (ATCATGGGCGC).
Protein change: p.Ile4182fs; shifts the reading frame from isoleucine 4182.
Molecular consequence: frameshift variant.
Genome position (GRCh38, 1-based): chr19:38,561,374-38,561,384, ATCATGGGCGC deleted. VCF-style (leftmost placement, unchanged base first): chr19-38561373-GATCATGGGCGC-G. GRCh37 (hg19) VCF-style: chr19-39052013-GATCATGGGCGC-G.
Other names: c.12529_12539del, p.Ile4177fs (NM_001042723.2); short protein forms I4177fs, I4182fs.
Identifiers: ClinVar variation 3385585 (VCV003385585.1).

ClinVar aggregate classification (germline): Uncertain significance (1 of 4 stars; one submission).

Conditions:
Malignant hyperthermia, susceptibility to, 1 (MHS1). Also called: Anesthesia related hyperthermia; Malignant hyperpyrexia; Fulminating hyperpyrexia; Pharmacogenic myopathy; Malignant hyperthermia suceptibility 1; RYR1-Related Malignant Hyperthermia Susceptibility. Identifiers: Orphanet 423, MedGen C2930980, MONDO:0007783, OMIM 145600.

Submission:

All of Us Research Program, National Institutes of Health
Classification: Uncertain significance for Malignant hyperthermia, susceptibility to, 1. Last evaluated: 2024-09-23. Review status: criteria provided, single submitter. Criteria: ACMG Guidelines, 2015. Collection method: clinical testing. Allele origin: germline. Inheritance: Autosomal dominant inheritance. Observed: 2 variant alleles, 2 heterozygotes.
Comment: This study involves interpretation of variants in research participants for the purpose of population health screening. Participant phenotype was not available at the time of variant classification. Additional details can be found in publication PMID: 35346344, PMCID: PMC8962531